The following is an entry in ClinVar:

ClinVar aggregate classification (germline): Uncertain significance (1 of 4 stars; one submission).

Submission:

GeneDx
Classification: Uncertain significance. Last evaluated: 2024-11-13. Review status: criteria provided, single submitter. Criteria: GeneDx Variant Classification Process June 2021. Collection method: clinical testing. Allele origin: germline. Affected: yes.
Comment: Not observed at significant frequency in large population cohorts (gnomAD); In silico analysis indicates that this missense variant does not alter protein structure/function; Has not been previously published as pathogenic or benign to our knowledge

NM_002334.4(LRP4):c.4900G>A (p.Asp1634Asn)

Genes: LRP4 (LDL receptor related protein 4; minus strand), LRP4-AS1 (LRP4 antisense RNA 1; plus strand). Cytogenetic location: 11p11.2.
Variant type: single nucleotide variant.
Coding change: c.4900G>A on transcript NM_002334.4 (MANE Select); coding-DNA position 4900, G replaced by A.
Protein change: p.Asp1634Asn; replaces aspartic acid 1634 with asparagine.
Molecular consequence: missense variant.
Genome position (GRCh38, 1-based): chr11:46,868,651, C>T on the plus strand (G>A on the coding strand, the complement: LRP4 is on the minus strand). VCF-style: chr11-46868651-C-T. GRCh37 (hg19) VCF-style: chr11-46890202-C-T.
Other names: short protein forms D1634N.
Identifiers: ClinVar variation 3899502 (VCV003899502.1).